The following is an entry in ClinVar:

ClinVar aggregate classification (germline): Benign. Review status: criteria provided, multiple submitters, no conflicts (2 of 4 stars). 4 submissions from 4 submitters: Benign (3). 1 of the submissions does not count toward it. Last evaluated 2021-06-10.

Conditions:
Alport syndrome. Also called: Hemorrhagic familial nephritis; Hemorrhagic hereditary nephritis; Congenital hereditary hematuria. Identifiers: Orphanet 63, MedGen C1567741, MONDO:0018965.
Autosomal recessive Alport syndrome (ATS2). Also called: COL4A3-Related Nephropathy; Alport syndrome type 2; COL4A4 Alport Syndrome and Thin Basement Membrane Nephropathy; ALPORT SYNDROME 2, AUTOSOMAL RECESSIVE. Identifiers: Orphanet 63, Orphanet 88919, MedGen C4746745, MONDO:0008762, OMIM 203780.

Allele frequency attached by ClinVar (database versions not stated): 1000 Genomes Project 0.10343; 1000 Genomes Project 30x 0.10556; gnomAD 0.13492 and 0.13711; TOPMed 0.13507; gnomAD exomes 0.14184.
gnomAD v4.1: 219,218 of 1,554,140 alleles (14%); highest among the groups gnomAD compares: Non-Finnish European, 15%; 15,740 homozygotes.

Submissions (4):

Genome-Nilou Lab
Classification: Benign for Autosomal recessive Alport syndrome. Last evaluated: 2021-06-10. Review status: criteria provided, single submitter. Criteria: ACMG Guidelines, 2015. Collection method: clinical testing. Allele origin: germline. Affected: no.

GeneDx
Classification: Benign. Last evaluated: 2018-06-13. Review status: criteria provided, single submitter. Criteria: GeneDx Variant Classification (06012015). Collection method: clinical testing. Allele origin: germline. Affected: yes.
Comment: This variant is considered likely benign or benign based on one or more of the following criteria: it is a conservative change, it occurs at a poorly conserved position in the protein, it is predicted to be benign by multiple in silico algorithms, and/or has population frequency not consistent with disease.

Breakthrough Genomics
Classification: Benign. Review status: criteria provided, single submitter. Criteria: ACMG Guidelines, 2015. Collection method: not provided. Allele origin: germline. Inheritance: Autosomal recessive inheritance. Affected: yes.

Natera, Inc.
Classification: Benign for Alport syndrome. Last evaluated: 2020-09-16. Review status: no assertion criteria provided. Collection method: clinical testing. Allele origin: germline. Not counted in ClinVar's aggregate classification.

NM_000091.5(COL4A3):c.1576-60G>A

Genes: MFF-DT (MFF divergent transcript; minus strand), COL4A3 (collagen type IV alpha 3 chain; plus strand). Cytogenetic location: 2q36.3.
Variant type: single nucleotide variant.
Coding change: c.1576-60G>A on transcript NM_000091.5 (MANE Select); 60 bases into the intron before coding-DNA position 1576, G replaced by A.
Molecular consequence: intron variant.
Genome position (GRCh38, 1-based): chr2:227,270,710, G>A. VCF-style: chr2-227270710-G-A. GRCh37 (hg19) VCF-style: chr2-228135426-G-A.
Identifiers: ClinVar variation 682503 (VCV000682503.6), dbSNP rs73993878, ClinGen allele CA66637695.
Genomic context (GRCh38, chr2:227,270,710, plus strand): 5'-AAGAGTGTGTTGAAAAAATTCATGTTAAAATTGAAAAGTTCTTGTCCACACTGTTTTTAA[G>A]ATTGACAGAAGAAGAATTCTAACAAAATACAATACAGATTCATTTGTGTACTACCCTAGG-3'